The following is an entry in ClinVar:

ClinVar aggregate classification (germline): Benign/Likely benign. Review status: criteria provided, multiple submitters, no conflicts (2 of 4 stars). 5 submissions from 5 submitters: Benign (1); Likely benign (4). Last evaluated 2025-08-01.

Conditions:
Tuberous sclerosis 1 (TSC1). Identifiers: Orphanet 805, MedGen C1854465, MONDO:0008612, OMIM 191100.
Hereditary cancer-predisposing syndrome. Also called: Hereditary Cancer Syndrome; Neoplastic Syndromes, Hereditary; Hereditary neoplastic syndrome; Tumor predisposition. Identifiers: Orphanet 140162, MedGen C0027672, MeSH D009386, MONDO:0015356.
Tuberous sclerosis syndrome (TSC). Also called: Tuberous Sclerosis Complex; Tuberous sclerosis. Identifiers: Orphanet 805, MedGen C0041341, MONDO:0001734.

Allele frequency attached by ClinVar (database versions not stated): gnomAD 0.00001.
gnomAD v4.1: 1 of 1,589,054 alleles (0.000063%); highest among the groups gnomAD compares: African/African-American, 0.0014%; no homozygotes.

Submissions (5):

CeGaT Center for Human Genetics Tuebingen
Classification: Likely benign. Last evaluated: 2025-08-01. Review status: criteria provided, single submitter. Criteria: CeGaT Center For Human Genetics Tuebingen Variant Classification Criteria Version 2. Collection method: clinical testing. Allele origin: germline. Affected: yes. Observed: 1 variant allele.
Comment: TSC1: BP4, BP7

Myriad Genetics, Inc.
Classification: Benign for Tuberous sclerosis 1. Last evaluated: 2025-04-28. Review status: criteria provided, single submitter. Criteria: Myriad Autosomal Dominant, Autosomal Recessive and X-Linked Classification Criteria (2023). Collection method: clinical testing. Allele origin: unknown.
Comment: This variant is considered benign. This variant is a silent/synonymous amino acid change and it is not expected to impact splicing.

Labcorp Genetics (formerly Invitae), Labcorp
Classification: Likely benign for Tuberous sclerosis 1. Last evaluated: 2024-12-23. Review status: criteria provided, single submitter. Criteria: Invitae Variant Classification Sherloc (09022015). Collection method: clinical testing. Allele origin: germline.

All of Us Research Program, National Institutes of Health
Classification: Likely benign for Tuberous sclerosis syndrome. Last evaluated: 2023-11-20. Review status: criteria provided, single submitter. Criteria: ACMG Guidelines, 2015. Collection method: clinical testing. Allele origin: germline. Inheritance: Autosomal dominant inheritance. Observed: 1 variant allele, 1 heterozygote.
Comment: This study involves interpretation of variants in research participants for the purpose of population health screening. Participant phenotype was not available at the time of variant classification. Additional details can be found in publication PMID: 35346344, PMCID: PMC8962531

Ambry Genetics
Classification: Likely benign for Hereditary cancer-predisposing syndrome. Last evaluated: 2022-07-01. Review status: criteria provided, single submitter. Criteria: Ambry Variant Classification Scheme 2023. Collection method: clinical testing. Allele origin: germline.

NM_000368.5(TSC1):c.2649C>G (p.Ala883=)

Gene: TSC1 (TSC complex subunit 1; minus strand). Cytogenetic location: 9q34.13.
Variant type: single nucleotide variant.
Coding change: c.2649C>G on transcript NM_000368.5 (MANE Select); coding-DNA position 2649, C replaced by G.
Protein change: p.Ala883=; no amino-acid change (alanine 883 retained).
Molecular consequence: synonymous variant.
Genome position (GRCh38, 1-based): chr9:132,897,587, G>C on the plus strand (C>G on the coding strand, the complement: TSC1 is on the minus strand). VCF-style: chr9-132897587-G-C. GRCh37 (hg19) VCF-style: chr9-135772974-G-C.
Other names: c.2646C>G, p.Ala882= (NM_001162426.2); c.2496C>G, p.Ala832= (NM_001162427.2); c.2286C>G, p.Ala762= (NM_001362177.2).
Identifiers: ClinVar variation 1654048 (VCV001654048.20), dbSNP rs1279318276, ClinGen allele CA467813083.
Genomic context (GRCh38, chr9:132,897,587, plus strand): 5'-ATCAAGCCTCTGAGTCTGCTGGAGAACATGGCTTCTGTTTTTTTCTAGCTCTTTCCGATA[G>C]GCGGCTTTCATCATTTCTACTTCCTGAAAAAAAAAAAAAAAAAAGACTGGAATTAGTACT-3'
Protein context (NP_000359.1, residues 873-893): TTKEVEMMKA[Ala883=]YRKELEKNRS